The following is an entry in ClinVar:

ClinVar aggregate classification (germline): Conflicting classifications of pathogenicity. Review status: criteria provided, conflicting classifications (1 of 4 stars). 3 submissions from 3 submitters: Uncertain significance (2); Likely benign (1). Last evaluated 2021-06-03.

Conditions:
Borjeson-Forssman-Lehmann syndrome (BFLS). Also called: MENTAL RETARDATION, X-LINKED, SYNDROMIC, BORJESON-FORSSMAN-LEHMANN TYPE; MENTAL RETARDATION, EPILEPSY, AND ENDOCRINE DISORDERS; BORJESON SYNDROME. Identifiers: Orphanet 127, MedGen C0265339, MONDO:0010537, OMIM 301900.

Allele frequency attached by ClinVar (database versions not stated): TOPMed below 0.00001; gnomAD 0.00002.
gnomAD v4.1: 2 of 1,208,321 alleles (0.00017%); highest among the groups gnomAD compares: East Asian, 0.003%; no homozygotes.

Submissions (4):

GeneDx
Classification: Likely benign. Last evaluated: 2021-06-03. Review status: criteria provided, single submitter. Criteria: GeneDx Variant Classification Process June 2021. Collection method: clinical testing. Allele origin: germline. Affected: yes.
Comment: Not observed in large population cohorts (Lek et al., 2016); In silico analysis supports that this missense variant does not alter protein structure/function; Has not been previously published as pathogenic or benign to our knowledge

Baylor Genetics
Classification: Uncertain significance for Borjeson-Forssman-Lehmann syndrome. Last evaluated: 2018-07-18. Review status: criteria provided, single submitter. Criteria: ACMG Guidelines, 2015. Collection method: clinical testing. Allele origin: unknown. Affected: yes.
Comment: This variant was determined to be of uncertain significance according to ACMG Guidelines, 2015 [PMID:25741868].

Eurofins Ntd Llc (ga)
Classification: Uncertain significance. Last evaluated: 2014-05-09. Review status: criteria provided, single submitter. Criteria: EGL Classification Definitions 2015. Collection method: clinical testing. Allele origin: germline. Observed: 1 variant allele, 1 hemizygote.

Dr. Peter K. Rogan Lab, Western University
No classification provided (evidence only). Condition: Thyroid cancer, nonmedullary, 1. Review status: no classification provided. Collection method: in vitro. Allele origin: not applicable. Functional consequence: retained intron. Not counted in ClinVar's aggregate classification.

NM_001015877.2(PHF6):c.688A>G (p.Ile230Val)

Gene: PHF6 (PHD finger protein 6; plus strand). Cytogenetic location: Xq26.2.
Variant type: single nucleotide variant.
Coding change: c.688A>G on transcript NM_001015877.2 (MANE Select); coding-DNA position 688, A replaced by G.
Protein change: p.Ile230Val; replaces isoleucine 230 with valine.
Molecular consequence: missense variant.
Genome position (GRCh38, 1-based): chrX:134,413,925, A>G. VCF-style: chrX-134413925-A-G. GRCh37 (hg19) VCF-style: chrX-133547955-A-G.
Other names: NC_000023.10:g.133547955A>G; c.691A>G, p.Ile231Val (NM_032335.3, LRG_629t2); c.688A>G, p.Ile230Val (NM_032458.3); short protein forms I230V, I231V.
Identifiers: ClinVar variation 198600 (VCV000198600.11), dbSNP rs794727879, ClinGen allele CA247345.